The following is an entry in ClinVar:

ClinVar aggregate classification (germline): Uncertain significance (1 of 4 stars; one submission).

Conditions:
Hereditary pulmonary alveolar proteinosis. Also called: Pulmonary surfactant metabolism dysfunction. Identifiers: Orphanet 264675, MedGen C3711368, MONDO:0012580.

Allele frequency attached by ClinVar (database versions not stated): gnomAD exomes 0.00001.
gnomAD v4.1: 4 of 1,554,258 alleles (0.00026%); highest among the groups gnomAD compares: Non-Finnish European, 0.00035%; no homozygotes.

Submission:

Ambry Genetics
Classification: Uncertain significance for Hereditary pulmonary alveolar proteinosis. Last evaluated: 2017-01-16. Review status: criteria provided, single submitter. Criteria: Ambry Variant Classification Scheme 2023. Collection method: clinical testing. Allele origin: germline.
Comment: The p.L1102F variant (also known as c.3304C>T), located in coding exon 20 of the ABCA3 gene, results from a C to T substitution at nucleotide position 3304. The leucine at codon 1102 is replaced by phenylalanine, an amino acid with highly similar properties. This amino acid position is not well conserved in available vertebrate species. In addition, the in silico prediction for this alteration is inconclusive. Since supporting evidence is limited at this time, the clinical significance of this alteration remains unclear.

NM_001089.3(ABCA3):c.3304C>T (p.Leu1102Phe)

Gene: ABCA3 (ATP binding cassette subfamily A member 3; minus strand). Cytogenetic location: 16p13.3.
Variant type: single nucleotide variant.
Coding change: c.3304C>T on transcript NM_001089.3 (MANE Select); coding-DNA position 3304, C replaced by T.
Protein change: p.Leu1102Phe; replaces leucine 1102 with phenylalanine.
Molecular consequence: missense variant.
Genome position (GRCh38, 1-based): chr16:2,285,621, G>A on the plus strand (C>T on the coding strand, the complement: ABCA3 is on the minus strand). VCF-style: chr16-2285621-G-A. GRCh37 (hg19) VCF-style: chr16-2335622-G-A.
Other names: short protein forms L1102F.
Identifiers: ClinVar variation 1730010 (VCV001730010.2), dbSNP rs1474715656, ClinGen allele CA394317445.
Genomic context (GRCh38, chr16:2,285,621, plus strand): 5'-CGCTGACCGCCAGGATGGAGAACGTGCTGGCCAAGAATGCCATGGCGAAGAGCAGGTTGA[G>A]GGCAATGTCGAATCCCTTCCGGCCCCTGCGGGGGACAGAGAAGGTCAGGGACGGAGCACA-3'
Protein context (NP_001080.2, residues 1092-1112): NEGRKGFDIA[Leu1102Phe]NLLFAMAFLA